The following is an entry in ClinVar:

NM_000448.3(RAG1):c.2557_2560dup (p.Gly854fs)

Gene: RAG1 (recombination activating 1; plus strand). Cytogenetic location: 11p12.
Variant type: Duplication.
Coding change: c.2557_2560dup on transcript NM_000448.3 (MANE Select); coding-DNA positions 2557 to 2560, 4 bases duplicated (AATG; older notation c.2557_2560dupAATG).
Protein change: p.Gly854fs; shifts the reading frame from glycine 854.
Molecular consequence: frameshift variant.
Genome position (GRCh38, 1-based): chr11:36,575,861-36,575,864, AATG duplicated; duplicating any 4 consecutive bases within chr11:36,575,858-36,575,864 gives the same sequence; the c. name uses the placement nearest the transcript's 3' end. VCF-style (leftmost placement, unchanged base first): chr11-36575857-G-GATGA. GRCh37 (hg19) VCF-style: chr11-36597407-G-GATGA.
Other names: c.2557_2560dup, p.Gly854fs (NM_001377277.1, NM_001377278.1, NM_001377279.1 and 1 more transcripts); short protein forms G854fs.
Identifiers: ClinVar variation 2922227 (VCV002922227.3), dbSNP rs2494760982, ClinGen allele CA2740093705.

ClinVar aggregate classification (germline): Pathogenic (1 of 4 stars; one submission).

Conditions:
Severe combined immunodeficiency, autosomal recessive, T cell-negative, B cell-negative, NK cell-positive. Also called: SCID, AR, T-cell negative, B-cell negative, NK cell-positive; SCID, T CELL-NEGATIVE, B CELL-NEGATIVE, NK CELL-POSITIVE; Severe combined immunodeficiency due to complete RAG1/2 deficiency. Identifiers: Orphanet 331206, MedGen C1832322, MONDO:0011086, OMIM 601457.
Combined immunodeficiency with skin granulomas. Identifiers: Orphanet 157949, MedGen C2673536, MONDO:0009306, OMIM 233650.

Submission:

Labcorp Genetics (formerly Invitae), Labcorp
Classification: Pathogenic for Combined immunodeficiency with skin granulomas; Severe combined immunodeficiency, autosomal recessive, T cell-negative, B cell-negative, NK cell-positive. Last evaluated: 2024-03-01. Review status: criteria provided, single submitter. Criteria: Invitae Variant Classification Sherloc (09022015). Collection method: clinical testing. Allele origin: germline.
Comment: This sequence change creates a premature translational stop signal (p.Gly854Glufs*19) in the RAG1 gene. While this is not anticipated to result in nonsense mediated decay, it is expected to disrupt the last 190 amino acid(s) of the RAG1 protein. This variant is not present in population databases (gnomAD no frequency). This variant has not been reported in the literature in individuals affected with RAG1-related conditions. This variant disrupts a region of the RAG1 protein in which other variant(s) (p.Lys992Glu) have been determined to be pathogenic (PMID: 11313270, 18442948, 24290284). This suggests that this is a clinically significant region of the protein, and that variants that disrupt it are likely to be disease-causing. For these reasons, this variant has been classified as Pathogenic.

Literature cited by the submitters: PubMed 11313270; PubMed 18442948; PubMed 24290284.